The following is an entry in ClinVar:

ClinVar aggregate classification (germline): Uncertain significance (1 of 4 stars; one submission).

Conditions:
Congenital disorder of glycosylation, type Ii. Also called: ALG2-congenital disorder of glycosylation; CDG Ii; ALG2-CDG. Identifiers: Orphanet 79326, MedGen C1842836, MONDO:0011933, OMIM 607906.
Congenital myasthenic syndrome 14. Also called: Myasthenic syndrome, congenital, 14, with tubular aggregates. Identifiers: Orphanet 353327, Orphanet 590, MedGen C4015597, MONDO:0014543, OMIM 616228.

Allele frequency attached by ClinVar (database versions not stated): gnomAD exomes below 0.00001.

Submission:

Labcorp Genetics (formerly Invitae), Labcorp
Classification: Uncertain significance for Congenital disorder of glycosylation, type Ii; Congenital myasthenic syndrome 14. Last evaluated: 2022-08-21. Review status: criteria provided, single submitter. Criteria: Invitae Variant Classification Sherloc (09022015). Collection method: clinical testing. Allele origin: germline.
Comment: This variant is present in population databases (no rsID available, gnomAD 0.006%). This sequence change replaces proline, which is neutral and non-polar, with threonine, which is neutral and polar, at codon 322 of the ALG2 protein (p.Pro322Thr). This variant has not been reported in the literature in individuals affected with ALG2-related conditions. Algorithms developed to predict the effect of missense changes on protein structure and function (SIFT, PolyPhen-2, Align-GVGD) all suggest that this variant is likely to be disruptive. In summary, the available evidence is currently insufficient to determine the role of this variant in disease. Therefore, it has been classified as a Variant of Uncertain Significance.

NM_033087.4(ALG2):c.964C>A (p.Pro322Thr)

Gene: ALG2 (ALG2 alpha-1,3/1,6-mannosyltransferase; minus strand). Cytogenetic location: 9q22.33.
Variant type: single nucleotide variant.
Coding change: c.964C>A on transcript NM_033087.4 (MANE Select); coding-DNA position 964, C replaced by A.
Protein change: p.Pro322Thr; replaces proline 322 with threonine.
Molecular consequence: missense variant. On other transcripts: non-coding transcript variant (1).
Genome position (GRCh38, 1-based): chr9:99,218,221, G>T on the plus strand (C>A on the coding strand, the complement: ALG2 is on the minus strand). VCF-style: chr9-99218221-G-T. GRCh37 (hg19) VCF-style: chr9-101980503-G-T.
Other names: short protein forms P322T.
Identifiers: ClinVar variation 2155640 (VCV002155640.4), dbSNP rs1228242180, ClinGen allele CA374226751.